The following is an entry in ClinVar:

ClinVar aggregate classification (germline): Benign/Likely benign. Review status: criteria provided, multiple submitters, no conflicts (2 of 4 stars). 4 submissions from 4 submitters: Benign (1); Likely benign (3). Last evaluated 2025-09-24.

Conditions:
AXIN2-related disorder.
Hereditary cancer-predisposing syndrome. Also called: Tumor predisposition; Hereditary Cancer Syndrome; Neoplastic Syndromes, Hereditary; Hereditary neoplastic syndrome. Identifiers: Orphanet 140162, MedGen C0027672, MeSH D009386, MONDO:0015356.
Oligodontia-cancer predisposition syndrome. Also called: TOOTH AGENESIS-COLORECTAL CANCER SYNDROME. Identifiers: Orphanet 300576, MedGen C1837750, MONDO:0012075, OMIM 608615. Disease mechanism: loss of function.

Allele frequency attached by ClinVar (database versions not stated): gnomAD exomes below 0.00001.
gnomAD v4.1: 1 of 1,611,268 alleles (0.000062%); highest among the groups gnomAD compares: Non-Finnish European, 0.000085%; no homozygotes.

Submissions (4):

PreventionGenetics, part of Exact Sciences
Classification: Likely benign for AXIN2-related condition. Last evaluated: 2025-09-24. Review status: criteria provided, single submitter. Criteria: ACMG Guidelines, 2015. Collection method: clinical testing. Allele origin: germline.
Comment: This variant is classified as likely benign based on ACMG/AMP sequence variant interpretation guidelines (Richards et al. 2015 PMID: 25741868, with internal and published modifications).

Labcorp Genetics (formerly Invitae), Labcorp
Classification: Likely benign for Oligodontia-cancer predisposition syndrome. Last evaluated: 2025-06-09. Review status: criteria provided, single submitter. Criteria: Invitae Variant Classification Sherloc (09022015). Collection method: clinical testing. Allele origin: germline.

Myriad Genetics, Inc.
Classification: Benign for Oligodontia-cancer predisposition syndrome. Last evaluated: 2024-06-28. Review status: criteria provided, single submitter. Criteria: Myriad Autosomal Dominant, Autosomal Recessive and X-Linked Classification Criteria (2023). Collection method: clinical testing. Allele origin: unknown.
Comment: This variant is considered benign. This variant is a silent/synonymous amino acid change and it is not expected to impact splicing.

Ambry Genetics
Classification: Likely benign for Hereditary cancer-predisposing syndrome. Last evaluated: 2024-06-03. Review status: criteria provided, single submitter. Criteria: Ambry Variant Classification Scheme 2023. Collection method: clinical testing. Allele origin: germline.

NM_004655.4(AXIN2):c.915T>C (p.Asp305=)

Gene: AXIN2 (axin 2; minus strand). Cytogenetic location: 17q24.1.
Variant type: single nucleotide variant.
Coding change: c.915T>C on transcript NM_004655.4 (MANE Select); coding-DNA position 915, T replaced by C.
Protein change: p.Asp305=; no amino-acid change (aspartic acid 305 retained).
Molecular consequence: synonymous variant.
Genome position (GRCh38, 1-based): chr17:65,549,561, A>G on the plus strand (T>C on the coding strand, the complement: AXIN2 is on the minus strand). VCF-style: chr17-65549561-A-G. GRCh37 (hg19) VCF-style: chr17-63545679-A-G.
Other names: c.915T>C (NM_004655.3); c.915T>C, p.Asp305= (NM_001363813.1).
Identifiers: ClinVar variation 1130573 (VCV001130573.12), dbSNP rs2144538324, ClinGen allele CA501476692.